The following is an entry in ClinVar:

ClinVar aggregate classification (germline): Conflicting classifications of pathogenicity. Review status: criteria provided, conflicting classifications (1 of 4 stars). 4 submissions from 4 submitters: Likely pathogenic (1); Uncertain significance (3). Last evaluated 2026-09-01.

Conditions:
Hereditary pancreatitis (PCTT). Also called: PRSS1-Related Hereditary Pancreatitis; Hereditary chronic pancreatitis. Identifiers: Orphanet 676, MedGen C0238339, MONDO:0008185, OMIM 167800.

Allele frequency attached by ClinVar (database versions not stated): ExAC 0.00001; gnomAD 0.00001 and 0.00002; TOPMed 0.00002.
gnomAD v4.1: 21 of 1,611,334 alleles (0.0013%); highest among the groups gnomAD compares: Admixed American, 0.0017%; no homozygotes.

Submissions (4):

CeGaT Center for Human Genetics Tuebingen
Classification: Uncertain significance. Last evaluated: 2026-09-01. Review status: criteria provided, single submitter. Criteria: CeGaT Center For Human Genetics Tuebingen Variant Classification Criteria Version 2. Collection method: clinical testing. Allele origin: germline. Affected: yes. Observed: 1 variant allele.

Ambry Genetics
Classification: Uncertain significance for Hereditary pancreatitis. Last evaluated: 2026-08-17. Review status: criteria provided, single submitter. Criteria: Ambry Variant Classification Scheme 2023. Collection method: clinical testing. Allele origin: germline.

Labcorp Genetics (formerly Invitae), Labcorp
Classification: Uncertain significance. Last evaluated: 2025-03-19. Review status: criteria provided, single submitter. Criteria: Invitae Variant Classification Sherloc (09022015). Collection method: clinical testing. Allele origin: germline.
Comment: This sequence change replaces threonine, which is neutral and polar, with methionine, which is neutral and non-polar, at codon 229 of the CPA1 protein (p.Thr229Met). This variant is present in population databases (rs781815975, gnomAD 0.007%). This missense change has been observed in individual(s) with pancreatitis (internal data). ClinVar contains an entry for this variant (Variation ID: 1042842). Invitae Evidence Modeling of protein sequence and biophysical properties (such as structural, functional, and spatial information, amino acid conservation, physicochemical variation, residue mobility, and thermodynamic stability) indicates that this missense variant is expected to disrupt CPA1 protein function with a positive predictive value of 80%. Experimental studies have shown that this missense change affects CPA1 function (PMID: 23955596). In summary, the available evidence is currently insufficient to determine the role of this variant in disease. Therefore, it has been classified as a Variant of Uncertain Significance.

Department of Pathology and Laboratory Medicine, Sinai Health System
Classification: Likely pathogenic for Hereditary pancreatitis. Last evaluated: 2023-02-26. Review status: criteria provided, single submitter. Criteria: ACMG Guidelines, 2015. Collection method: research. Allele origin: germline.

Literature cited by the submitters: PubMed 23955596 (cited by Labcorp Genetics (formerly Invitae), Labcorp).

NM_001868.4(CPA1):c.686C>T (p.Thr229Met)

Gene: CPA1 (carboxypeptidase A1; plus strand). Cytogenetic location: 7q32.2.
Variant type: single nucleotide variant.
Coding change: c.686C>T on transcript NM_001868.4 (MANE Select); coding-DNA position 686, C replaced by T.
Protein change: p.Thr229Met; replaces threonine 229 with methionine.
Molecular consequence: missense variant.
Genome position (GRCh38, 1-based): chr7:130,383,784, C>T. VCF-style: chr7-130383784-C-T. GRCh37 (hg19) VCF-style: chr7-130023625-C-T.
Other names: short protein forms T229M.
Identifiers: ClinVar variation 1042842 (VCV001042842.12), dbSNP rs781815975, ClinGen allele CA4484888.